The following is an entry in ClinVar:

ClinVar aggregate classification (germline): Uncertain significance (1 of 4 stars; one submission).

Submission:

Labcorp Genetics (formerly Invitae), Labcorp
Classification: Uncertain significance. Last evaluated: 2020-12-10. Review status: criteria provided, single submitter. Criteria: Invitae Variant Classification Sherloc (09022015). Collection method: clinical testing. Allele origin: germline.
Comment: This variant has not been reported in the literature in individuals with NEXMIF-related conditions. This variant is not present in population databases (ExAC no frequency). This sequence change replaces glutamine with lysine at codon 5 of the NEXMIF protein (p.Gln5Lys). The glutamine residue is highly conserved and there is a small physicochemical difference between glutamine and lysine. Algorithms developed to predict the effect of missense changes on protein structure and function are either unavailable or do not agree on the potential impact of this missense change (SIFT: "Deleterious"; PolyPhen-2: "Possibly Damaging"; Align-GVGD: "Class C15"). In summary, the available evidence is currently insufficient to determine the role of this variant in disease. Therefore, it has been classified as a Variant of Uncertain Significance.

NM_001008537.3(NEXMIF):c.13C>A (p.Gln5Lys)

Gene: NEXMIF (neurite extension and migration factor; minus strand). Cytogenetic location: Xq13.3.
Variant type: single nucleotide variant.
Coding change: c.13C>A on transcript NM_001008537.3 (MANE Select); coding-DNA position 13, C replaced by A.
Protein change: p.Gln5Lys; replaces glutamine 5 with lysine.
Molecular consequence: missense variant.
Genome position (GRCh38, 1-based): chrX:74,745,638, G>T on the plus strand (C>A on the coding strand, the complement: NEXMIF is on the minus strand). VCF-style: chrX-74745638-G-T. GRCh37 (hg19) VCF-style: chrX-73965473-G-T.
Other names: short protein forms Q5K.
Identifiers: ClinVar variation 1505469 (VCV001505469.8), dbSNP rs2147442662, ClinGen allele CA413674728.